The following is an entry in ClinVar:

ClinVar aggregate classification (germline): Likely benign (1 of 4 stars; one submission).

Submission:

CeGaT Center for Human Genetics Tuebingen
Classification: Likely benign. Last evaluated: 2024-08-01. Review status: criteria provided, single submitter. Criteria: CeGaT Center For Human Genetics Tuebingen Variant Classification Criteria Version 2. Collection method: clinical testing. Allele origin: germline. Affected: yes. Observed: 1 variant allele.
Comment: ZNF469: BP4, BP7

NM_001367624.2(ZNF469):c.1917T>A (p.Thr639=)

Gene: ZNF469 (zinc finger protein 469; plus strand). Cytogenetic location: 16q24.2.
Variant type: single nucleotide variant.
Coding change: c.1917T>A on transcript NM_001367624.2 (MANE Select); coding-DNA position 1917, T replaced by A.
Protein change: p.Thr639=; no amino-acid change (threonine 639 retained).
Molecular consequence: synonymous variant.
Genome position (GRCh38, 1-based): chr16:88,429,387, T>A. VCF-style: chr16-88429387-T-A. GRCh37 (hg19) VCF-style: chr16-88495795-T-A.
Identifiers: ClinVar variation 3341719 (VCV003341719.16).